The following is an entry in ClinVar:

NM_001618.4(PARP1):c.2819A>G (p.Lys940Arg)

Gene: PARP1 (poly(ADP-ribose) polymerase 1; minus strand). Cytogenetic location: 1q42.12.
Variant type: single nucleotide variant.
Coding change: c.2819A>G on transcript NM_001618.4 (MANE Select); coding-DNA position 2819, A replaced by G.
Protein change: p.Lys940Arg; replaces lysine 940 with arginine.
Molecular consequence: missense variant.
Genome position (GRCh38, 1-based): chr1:226,363,128, T>C on the plus strand (A>G on the coding strand, the complement: PARP1 is on the minus strand). VCF-style: chr1-226363128-T-C. GRCh37 (hg19) VCF-style: chr1-226550829-T-C.
Other names: short protein forms K940R.
Identifiers: ClinVar variation 3041509 (VCV003041509.2), dbSNP rs3219145, ClinGen allele CA1422362.

ClinVar aggregate classification (germline): Benign (0 of 4 stars; one submission).

Conditions:
PARP1-related disorder. Also called: PARP1-related condition.

Allele frequency attached by ClinVar (database versions not stated): ESP Exome Variant Server 0.00100; 1000 Genomes Project 30x 0.02577; 1000 Genomes Project 0.02716.
gnomAD v4.1: 10,463 of 1,613,868 alleles (0.65%); highest among the groups gnomAD compares: South Asian, 7.6%; 432 homozygotes.

Submission:

PreventionGenetics, part of Exact Sciences
Classification: Benign for PARP1-related condition. Last evaluated: 2019-11-16. Review status: no assertion criteria provided. Collection method: clinical testing. Allele origin: germline.
Comment: This variant is classified as benign based on ACMG/AMP sequence variant interpretation guidelines (Richards et al. 2015 PMID: 25741868, with internal and published modifications).